The following is an entry in ClinVar:

ClinVar aggregate classification (germline): Uncertain significance. Review status: criteria provided, multiple submitters, no conflicts (2 of 4 stars). 3 submissions from 3 submitters: Uncertain significance (3). Last evaluated 2026-09-23.

Conditions:
3-methylglutaconic aciduria with deafness, encephalopathy, and Leigh-like syndrome (MEGDEL). Also called: SERAC1 Deficiency; 3-METHYLGLUTACONIC ACIDURIA, TYPE VI; MEGDEL syndrome. Identifiers: Orphanet 352328, MedGen C4040739, MONDO:0013875, OMIM 614739.
SERAC1-related disorder. Also called: SERAC1-related disorders; SERAC1-related condition.

Allele frequency attached by ClinVar (database versions not stated): ExAC 0.00002; gnomAD 0.00002; gnomAD exomes 0.00002; TOPMed 0.00002.
gnomAD v4.1: 30 of 1,612,628 alleles (0.0019%); highest among the groups gnomAD compares: East Asian, 0.062%; no homozygotes.

Submissions (3):

PreventionGenetics, part of Exact Sciences
Classification: Uncertain significance for SERAC1-related condition. Last evaluated: 2026-09-23. Review status: criteria provided, single submitter. Criteria: ACMG Guidelines, 2015. Collection method: clinical testing. Allele origin: germline.
Comment: The SERAC1 c.1501+5G>A variant is predicted to interfere with splicing. This variant has been reported with a second SERAC1 variant in an individual with a developmental and metabolic disorder (Supp. Table S2. Dong et al. 2020. PubMed ID: 32005694). This variant is reported in 0.044% of alleles in individuals of East Asian descent in gnomAD. At this time, the clinical significance of this variant is uncertain due to the absence of conclusive functional and genetic evidence.

Labcorp Genetics (formerly Invitae), Labcorp
Classification: Uncertain significance for 3-methylglutaconic aciduria with deafness, encephalopathy, and Leigh-like syndrome. Last evaluated: 2022-06-14. Review status: criteria provided, single submitter. Criteria: Invitae Variant Classification Sherloc (09022015). Collection method: clinical testing. Allele origin: germline.
Comment: In summary, the available evidence is currently insufficient to determine the role of this variant in disease. Therefore, it has been classified as a Variant of Uncertain Significance. Variants that disrupt the consensus splice site are a relatively common cause of aberrant splicing (PMID: 17576681, 9536098). Algorithms developed to predict the effect of sequence changes on RNA splicing suggest that this variant may disrupt the consensus splice site. This variant has been observed in individual(s) with clinical features of 3-methylglutaconic aciduria (PMID: 32005694). This variant is present in population databases (rs753996196, gnomAD 0.05%). This sequence change falls in intron 14 of the SERAC1 gene. It does not directly change the encoded amino acid sequence of the SERAC1 protein. It affects a nucleotide within the consensus splice site.

Juno Genomics, Hangzhou Juno Genomics, Inc
Classification: Uncertain significance for 3-methylglutaconic aciduria with deafness, encephalopathy, and Leigh-like syndrome. Review status: criteria provided, single submitter. Criteria: ACMG Guidelines, 2015. Collection method: clinical testing. Allele origin: germline.
Comment: Absent from controls (or at extremely low frequency if recessive) in Genome Aggregation Database.;Multiple lines of computational evidence support a deleterious effect on the gene or gene product.

Literature cited by the submitters: PubMed 17576681 (cited by Labcorp Genetics (formerly Invitae), Labcorp); PubMed 9536098 (cited by Labcorp Genetics (formerly Invitae), Labcorp); PubMed 32005694 (cited by Labcorp Genetics (formerly Invitae), Labcorp).

NM_032861.4(SERAC1):c.1501+5G>A

Gene: SERAC1 (serine active site containing 1; minus strand). Cytogenetic location: 6q25.3.
Variant type: single nucleotide variant.
Coding change: c.1501+5G>A on transcript NM_032861.4 (MANE Select); 5 bases into the intron after coding-DNA position 1501, G replaced by A.
Molecular consequence: intron variant.
Genome position (GRCh38, 1-based): chr6:158,116,180, C>T on the plus strand (G>A on the coding strand, the complement: SERAC1 is on the minus strand). VCF-style: chr6-158116180-C-T. GRCh37 (hg19) VCF-style: chr6-158537212-C-T.
Other names: c.1501+5G>A (NM_032861.3).
Identifiers: ClinVar variation 2145279 (VCV002145279.4), dbSNP rs753996196, ClinGen allele CA4071057.